The following is an entry in ClinVar:

ClinVar aggregate classification (germline): Uncertain significance (1 of 4 stars; one submission).

Conditions:
TBX1-related disorder. Also called: TBX1-Related Disorders; TBX1-related condition.

Submission:

PreventionGenetics, part of Exact Sciences
Classification: Uncertain significance for TBX1-related condition. Last evaluated: 2026-05-26. Review status: criteria provided, single submitter. Criteria: ACMG Guidelines, 2015. Collection method: clinical testing. Allele origin: germline.
Comment: The TBX1 c.1413_1418del6 variant is predicted to result in an in-frame deletion (p.Ala475_Ala476del). To our knowledge, this variant has not been reported in the literature or in a large population database (gnomAD), indicating this variant is rare. At this time, the clinical significance of this variant is uncertain due to the absence of conclusive functional and genetic evidence.

NM_001379200.1(TBX1):c.1440_1445del (p.Ala484_Ala485del)

Gene: TBX1 (T-box transcription factor 1; plus strand). Cytogenetic location: 22q11.21.
Variant type: Deletion.
Coding change: c.1440_1445del on transcript NM_001379200.1 (MANE Select); coding-DNA positions 1440 to 1445, 6 bases deleted (AGCTGC; older notation c.1440_1445delAGCTGC).
Protein change: p.Ala484_Ala485del.
Molecular consequence: inframe deletion. On other transcripts: intron variant (2).
Genome position (GRCh38, 1-based): chr22:19,766,792-19,766,797, AGCTGC deleted; deleting any 6 consecutive bases within chr22:19,766,790-19,766,797 gives the same sequence; the c. name uses the placement nearest the transcript's 3' end. VCF-style (leftmost placement, unchanged base first): chr22-19766789-CGCAGCT-C. GRCh37 (hg19) VCF-style: chr22-19754312-CGCAGCT-C.
Other names: c.1413_1418del6 (NM_080647.1); c.1413_1418del, p.Ala475_Ala476del (NM_080647.1); c.1009+790_1009+795del (NM_005992.1, NM_080646.2).
Identifiers: ClinVar variation 4993808 (VCV004993808.1).
Genomic context (GRCh38, chr22:19,766,789, plus strand): 5'-GCATCCGCACCACCACCACCACCCCGTGAGTCCAGCCGCCGCGGCCGCCGCCGCCGCTGC[CGCAGCT>C]GCCGCGGCCGCCAACATGTACTCGTCGGCCGGAGCCGCGCCGCCCGGCTCCTACGACTAT-3'